The following is an entry in ClinVar:

ClinVar aggregate classification (germline): Uncertain significance. Review status: criteria provided, multiple submitters, no conflicts (2 of 4 stars). 2 submissions from 2 submitters: Uncertain significance (2). Last evaluated 2022-10-26.

Allele frequency attached by ClinVar (database versions not stated): gnomAD exomes below 0.00001; gnomAD 0.00001; TOPMed 0.00003.
gnomAD v4.1: 3 of 1,613,910 alleles (0.00019%); highest among the groups gnomAD compares: African/African-American, 0.004%; no homozygotes.

Submissions (2):

Blueprint Genetics
Classification: Uncertain significance. Last evaluated: 2022-10-26. Review status: criteria provided, single submitter. Criteria: ACMG Guidelines, 2015. Collection method: clinical testing. Allele origin: germline.

Labcorp Genetics (formerly Invitae), Labcorp
Classification: Uncertain significance. Last evaluated: 2022-06-20. Review status: criteria provided, single submitter. Criteria: Invitae Variant Classification Sherloc (09022015). Collection method: clinical testing. Allele origin: germline.
Comment: This sequence change replaces tyrosine, which is neutral and polar, with cysteine, which is neutral and slightly polar, at codon 315 of the AGBL5 protein (p.Tyr315Cys). In summary, the available evidence is currently insufficient to determine the role of this variant in disease. Therefore, it has been classified as a Variant of Uncertain Significance. Algorithms developed to predict the effect of missense changes on protein structure and function are either unavailable or do not agree on the potential impact of this missense change (SIFT: "Tolerated"; PolyPhen-2: "Probably Damaging"; Align-GVGD: "Class C15"). This variant has not been reported in the literature in individuals affected with AGBL5-related conditions. This variant is present in population databases (no rsID available, gnomAD 0.008%).

NM_021831.6(AGBL5):c.944A>G (p.Tyr315Cys)

Gene: AGBL5 (AGBL carboxypeptidase 5; plus strand). Cytogenetic location: 2p23.3.
Variant type: single nucleotide variant.
Coding change: c.944A>G on transcript NM_021831.6 (MANE Select); coding-DNA position 944, A replaced by G.
Protein change: p.Tyr315Cys; replaces tyrosine 315 with cysteine.
Molecular consequence: missense variant. On other transcripts: non-coding transcript variant (2).
Genome position (GRCh38, 1-based): chr2:27,055,717, A>G. VCF-style: chr2-27055717-A-G. GRCh37 (hg19) VCF-style: chr2-27278585-A-G.
Other names: c.944A>G, p.Tyr315Cys (NM_001035507.3); short protein forms Y315C.
Identifiers: ClinVar variation 1511191 (VCV001511191.5), dbSNP rs1300629629, ClinGen allele CA346177602.